The following is an entry in ClinVar:

ClinVar aggregate classification (germline): Conflicting classifications of pathogenicity. Review status: criteria provided, conflicting classifications (1 of 4 stars). 9 submissions from 9 submitters: Uncertain significance (5); Likely benign (2). 2 of the submissions do not count toward it. Last evaluated 2023-11-02.

Conditions:
Hereditary cancer-predisposing syndrome. Also called: Tumor predisposition; Hereditary Cancer Syndrome; Hereditary neoplastic syndrome; Neoplastic Syndromes, Hereditary. Identifiers: Orphanet 140162, MedGen C0027672, MeSH D009386, MONDO:0015356.
Hereditary breast ovarian cancer syndrome. Also called: Breast and ovarian cancer; Hereditary breast and ovarian cancer syndrome; Hereditary breast and ovarian cancer; BRCA1- and BRCA2-Associated Hereditary Breast and Ovarian Cancer; Hereditary breast and ovarian cancer syndrome (HBOC); Hereditary breast and/or ovarian cancer syndrome. Identifiers: Orphanet 145, MedGen C0677776, MeSH D061325, MONDO:0003582. Disease mechanism: loss of function.
Breast-ovarian cancer, familial, susceptibility to, 2 (BROVCA2). Also called: BRCA2 Hereditary Breast and Ovarian Cancer. Identifiers: Orphanet 145, MedGen C2675520, MONDO:0012933, OMIM 612555. Disease mechanism: loss of function.
Malignant tumor of breast. Also called: Cancer breast; Malignant breast neoplasm. Identifiers: MedGen C0006142, MONDO:0007254. Disease mechanism: loss of function.

Allele frequency attached by ClinVar (database versions not stated): TOPMed below 0.00001; ExAC 0.00001; gnomAD exomes 0.00001.
gnomAD v4.1: 6 of 1,613,904 alleles (0.00037%); highest among the groups gnomAD compares: Non-Finnish European, 0.00051%; no homozygotes.

Submissions (9):

All of Us Research Program, National Institutes of Health
Classification: Uncertain significance for Breast-ovarian cancer, familial, susceptibility to, 2. Last evaluated: 2023-11-02. Review status: criteria provided, single submitter. Criteria: ACMG Guidelines, 2015. Collection method: clinical testing. Allele origin: germline. Inheritance: Autosomal dominant inheritance. Observed: 4 variant alleles, 4 heterozygotes.
Comment: This missense variant replaces aspartic acid with glycine at codon 777 of the BRCA2 protein. Computational prediction suggests that this variant may not impact protein structure and function (internally defined REVEL score threshold <= 0.5, PMID: 27666373). To our knowledge, functional studies have not been reported for this variant. This variant has been reported in an individual with a personal or family history of breast or ovarian cancer (PMID: 21120943). This variant has been identified in 3/250960 chromosomes in the general population by the Genome Aggregation Database (gnomAD). The available evidence is insufficient to determine the role of this variant in disease conclusively. Therefore, this variant is classified as a Variant of Uncertain Significance.

This study involves interpretation of variants in research participants for the purpose of population health screening. Participant phenotype was not available at the time of variant classification. Additional details can be found in publication PMID: 35346344, PMCID: PMC8962531

Labcorp Genetics (formerly Invitae), Labcorp
Classification: Uncertain significance for Hereditary breast ovarian cancer syndrome. Last evaluated: 2023-09-29. Review status: criteria provided, single submitter. Criteria: Invitae Variant Classification Sherloc (09022015). Collection method: clinical testing. Allele origin: germline.
Comment: In summary, the available evidence is currently insufficient to determine the role of this variant in disease. Therefore, it has been classified as a Variant of Uncertain Significance. Advanced modeling of protein sequence and biophysical properties (such as structural, functional, and spatial information, amino acid conservation, physicochemical variation, residue mobility, and thermodynamic stability) performed at Invitae indicates that this missense variant is not expected to disrupt BRCA2 protein function. ClinVar contains an entry for this variant (Variation ID: 185230). This missense change has been observed in individual(s) with breast cancer (PMID: 21120943). This variant is present in population databases (rs780489283, gnomAD 0.003%). This sequence change replaces aspartic acid, which is acidic and polar, with glycine, which is neutral and non-polar, at codon 777 of the BRCA2 protein (p.Asp777Gly).

Color Diagnostics, LLC DBA Color Health
Classification: Uncertain significance for Hereditary cancer-predisposing syndrome. Last evaluated: 2023-06-21. Review status: criteria provided, single submitter. Criteria: ACMG Guidelines, 2015. Collection method: clinical testing. Allele origin: germline.
Comment: This missense variant replaces aspartic acid with glycine at codon 777 of the BRCA2 protein. Computational prediction suggests that this variant may not impact protein structure and function (internally defined REVEL score threshold <= 0.5, PMID: 27666373). To our knowledge, functional studies have not been reported for this variant. This variant has been reported in an individual with a personal or family history of breast or ovarian cancer (PMID: 21120943). This variant has been identified in 3/250960 chromosomes in the general population by the Genome Aggregation Database (gnomAD). The available evidence is insufficient to determine the role of this variant in disease conclusively. Therefore, this variant is classified as a Variant of Uncertain Significance.

University of Washington Department of Laboratory Medicine, University of Washington
Classification: Likely benign for Hereditary cancer-predisposing syndrome. Last evaluated: 2023-03-23. Review status: criteria provided, single submitter. Criteria: Dines et al. (Genet Med. 2020). Collection method: curation. Allele origin: germline.
Comment: Missense variant in a coldspot region where missense variants are very unlikely to be pathogenic (PMID:31911673).

BRCA2 exon 11 coldspot. Reclassification based on statistical prior probability.

Ambry Genetics
Classification: Likely benign for Hereditary cancer-predisposing syndrome. Last evaluated: 2021-08-31. Review status: criteria provided, single submitter. Criteria: Ambry Variant Classification Scheme 2023. Collection method: clinical testing. Allele origin: germline.

Women's Health and Genetics/Laboratory Corporation of America, LabCorp
Classification: Uncertain significance. Last evaluated: 2020-07-30. Review status: criteria provided, single submitter. Criteria: LabCorp Variant Classification Summary - May 2015. Collection method: clinical testing. Allele origin: germline.
Comment: Variant summary: BRCA2 c.2330A>G (p.Asp777Gly) results in a non-conservative amino acid change in the encoded protein sequence. Three of five in-silico tools predict a benign effect of the variant on protein function. The variant allele was found at a frequency of 1.2e-05 in 250960 control chromosomes. The available data on variant occurrences in the general population are insufficient to allow any conclusion about variant significance. c.2330A>G has been reported in the literature in at-least one individual affected with Breast Cancer (Caux-Moncoutier_2011). These report(s) do not provide unequivocal conclusions about association of the variant with Hereditary Breast and Ovarian Cancer. A recent report from the CAGI5 (fifth Critical Assessment of Genome Interpretation) challenge has classified this variant as likely benign in a prediction protocol that includes assessment of the impact of this variant on splicing and protein function using four sets of predictors (Padilla_2019). To our knowledge, no experimental evidence demonstrating an impact on protein function has been reported. Five clinical diagnostic laboratories have submitted clinical-significance assessments for this variant to ClinVar after 2014 without evidence for independent evaluation. All laboratories classified the variant as uncertain significance. Based on the evidence outlined above, the variant was classified as uncertain significance.

GeneDx
Classification: Uncertain significance. Last evaluated: 2019-11-04. Review status: criteria provided, single submitter. Criteria: GeneDx Variant Classification Process June 2021. Collection method: clinical testing. Allele origin: germline. Affected: yes.
Comment: Not observed at a significant frequency in large population cohorts (Lek 2016); In silico analysis, which includes protein predictors and evolutionary conservation, supports a deleterious effect; This variant is associated with the following publications: (PMID: 21120943, 31131967, 28726806)

Counsyl
Classification: Uncertain significance for Breast-ovarian cancer, familial, susceptibility to, 2. Last evaluated: 2016-11-11. Review status: no assertion criteria provided. Collection method: clinical testing. Allele origin: unknown. Not counted in ClinVar's aggregate classification.

Department of Pathology and Laboratory Medicine, Sinai Health System
Classification: Likely benign for Malignant tumor of breast. Review status: no assertion criteria provided. Collection method: clinical testing. Allele origin: unknown. Affected: yes. Study: The Canadian Open Genetics Repository (COGR). Not counted in ClinVar's aggregate classification.
Comment: The BRCA2 p.Asp777Gly variant was identified in 1 of 3050 proband chromosomes (frequency 0.0003) from individuals with breast or ovarian cancer (Caux-Moncoutier 2011). The variant was also identified in the UMD 2x as an unclassified variant, where it was reported to have co-occurred with a pathogenic BRCA1 mutation, increasing the likelihood that this variant does not have clinical significance. The p.Asp777 residue is poorly conserved in mammals and lower organisms, and computational analyses (PolyPhen2, SIFT, AlignGVGD) do not suggest a high likelihood of impact to the protein. In addition, the p.Asp777Gly variant occurs outside of the splicing consensus sequence and in-silico or computational prediction software (SpliceSiteFinder, MaxEntScan, NNSPLICE, GeneSplicer, HumanSpliceFinder) does not predict a difference in splicing in all 5 different programs. However, this information is not predictive enough to rule out pathogenicity. In summary, based on the above information, the clinical significance of this variant cannot be determined with certainty at this time although we would lean towards a more benign role for this variant. This variant is classified as predicted benign.

Literature cited by the submitters: PubMed 21120943 (cited by 6 submitters); PubMed 29884841 (cited by Ambry Genetics); PubMed 31131967 (cited by Ambry Genetics); PubMed 31112341 (cited by Women's Health and Genetics/Laboratory Corporation of America, LabCorp).

NM_000059.4(BRCA2):c.2330A>G (p.Asp777Gly)

Gene: BRCA2 (BRCA2 DNA repair associated; plus strand). Cytogenetic location: 13q13.1.
Variant type: single nucleotide variant.
Coding change: c.2330A>G on transcript NM_000059.4 (MANE Select); coding-DNA position 2330, A replaced by G.
Protein change: p.Asp777Gly; replaces aspartic acid 777 with glycine.
Molecular consequence: missense variant.
Genome position (GRCh38, 1-based): chr13:32,336,685, A>G. VCF-style: chr13-32336685-A-G. GRCh37 (hg19) VCF-style: chr13-32910822-A-G.
Other names: short protein forms D777G.
Identifiers: ClinVar variation 185230 (VCV000185230.26), dbSNP rs780489283, ClinGen allele CA014974.
Genomic context (GRCh38, chr13:32,336,685, plus strand): 5'-AAAGTCTTTTATATGATCATGAAAATGCCAGCACTCTTATTTTAACTCCTACTTCCAAGG[A>G]TGTTCTGTCAAACCTAGTCATGATTTCTAGAGGCAAAGAATCATACAAAATGTCAGACAA-3'
Protein context (NP_000050.3, residues 767-787): STLILTPTSK[Asp777Gly]VLSNLVMISR